The following is an entry in ClinVar:

ClinVar aggregate classification (germline): Pathogenic. Review status: criteria provided, multiple submitters, no conflicts (2 of 4 stars). 5 submissions from 4 submitters: Pathogenic (3). 2 of the submissions do not count toward it. Last evaluated 2022-12-02.

Conditions:
LIPH-related disorder. Also called: LIPH-related condition.
Hypotrichosis 7 (HYPT7). Also called: HYPOTRICHOSIS, LOCALIZED, AUTOSOMAL RECESSIVE 2; HYPOTRICHOSIS, AUTOSOMAL RECESSIVE. Identifiers: Orphanet 55654, MedGen C1836672, MONDO:0011452, OMIM 604379.
Woolly hair, autosomal recessive 2, with or without hypotrichosis. Identifiers: MedGen C3148823.

Submissions (5):

PreventionGenetics, part of Exact Sciences
Classification: Pathogenic for LIPH-related condition. Last evaluated: 2022-12-02. Review status: criteria provided, single submitter. Criteria: ACMG Guidelines, 2015. Collection method: clinical testing. Allele origin: germline.
Comment: The LIPH c.659_660delTA variant is predicted to result in a frameshift and premature protein termination (p.Ile220Argfs*25). This variant was reported in 6 consanguineous families from Pakistan with autosomal recessive Hypotrichosis/wooly hair (Table 1; Khan et al 2011. PubMed ID: 21426374). Genotyping with polymorphic microsatellite markers of the Pakistani families suggested that this variant was a founder mutation (Khan et al 2011. PubMed ID: 21426374). This variant is reported in 0.065% of alleles in individuals of South Asian descent in gnomAD. Frameshift variants in LIPH are expected to be pathogenic. This variant is interpreted as pathogenic.

Labcorp Genetics (formerly Invitae), Labcorp
Classification: Pathogenic. Last evaluated: 2022-09-27. Review status: criteria provided, single submitter. Criteria: Invitae Variant Classification Sherloc (09022015). Collection method: clinical testing. Allele origin: germline.
Comment: This sequence change creates a premature translational stop signal (p.Ile220Argfs*25) in the LIPH gene. It is expected to result in an absent or disrupted protein product. Loss-of-function variants in LIPH are known to be pathogenic (PMID: 17333281, 18445047). This variant is present in population databases (rs559648418, gnomAD 0.06%). This premature translational stop signal has been observed in individual(s) with hypotrichosis (PMID: 18445047, 21426374). It has also been observed to segregate with disease in related individuals. ClinVar contains an entry for this variant (Variation ID: 3303). For these reasons, this variant has been classified as Pathogenic.

Kariminejad - Najmabadi Pathology & Genetics Center
Classification: Pathogenic for Hypotrichosis 7. Review status: criteria provided, single submitter. Criteria: ACMG Guidelines, 2015. Collection method: clinical testing. Allele origin: germline. Affected: no.

OMIM
Classification: Pathogenic for HYPOTRICHOSIS 7. Last evaluated: 2011-08-01. Review status: no assertion criteria provided. Collection method: literature only. Allele origin: germline. Not counted in ClinVar's aggregate classification.

OMIM
Classification: Pathogenic for WOOLLY HAIR, AUTOSOMAL RECESSIVE 2, WITH OR WITHOUT HYPOTRICHOSIS. Last evaluated: 2011-08-01. Review status: no assertion criteria provided. Collection method: literature only. Allele origin: germline. Not counted in ClinVar's aggregate classification.

Literature cited by the submitters: PubMed 17333281 (cited by Labcorp Genetics (formerly Invitae), Labcorp); PubMed 18445047 (cited by Labcorp Genetics (formerly Invitae), Labcorp and OMIM); PubMed 21426374 (cited by Labcorp Genetics (formerly Invitae), Labcorp and OMIM); PubMed 18830268 (cited by OMIM); PubMed 19365138 (cited by OMIM).

NM_139248.3(LIPH):c.659_660del (p.Ile220fs)

Gene: LIPH (lipase H; minus strand). Cytogenetic location: 3q27.2.
Variant type: Deletion.
Coding change: c.659_660del on transcript NM_139248.3 (MANE Select); coding-DNA positions 659 to 660, 2 bases deleted (TA; older notation c.659_660delTA).
Protein change: p.Ile220fs; shifts the reading frame from isoleucine 220.
Molecular consequence: frameshift variant.
Genome position (GRCh38, 1-based): chr3:185,524,129-185,524,130, TA deleted on the plus strand (TA on the coding strand, the reverse complement: LIPH is on the minus strand); deleting any 2 consecutive bases within chr3:185,524,129-185,524,131 gives the same sequence; the c. name uses the placement nearest the transcript's 3' end. VCF-style (leftmost placement, unchanged base first): chr3-185524128-CTA-C. GRCh37 (hg19) VCF-style: chr3-185241916-CTA-C.
Other names: short protein forms I220fs.
Identifiers: ClinVar variation 3303 (VCV000003303.7), dbSNP rs559648418, ClinGen allele CA2740535.